The following is an entry in ClinVar:

NM_001365536.1(SCN9A):c.4120A>C (p.Met1374Leu)

Genes: SCN9A (sodium voltage-gated channel alpha subunit 9; minus strand), SCN1A-AS1 (SCN1A and SCN9A antisense RNA 1; plus strand). Cytogenetic location: 2q24.3.
Variant type: single nucleotide variant.
Coding change: c.4120A>C on transcript NM_001365536.1 (MANE Select); coding-DNA position 4120, A replaced by C.
Protein change: p.Met1374Leu; replaces methionine 1374 with leucine.
Molecular consequence: missense variant.
Genome position (GRCh38, 1-based): chr2:166,228,777, T>G on the plus strand (A>C on the coding strand, the complement: SCN9A is on the minus strand). VCF-style: chr2-166228777-T-G. GRCh37 (hg19) VCF-style: chr2-167085287-T-G.
Other names: c.4087A>C, p.Met1363Leu (NM_002977.4); short protein forms M1363L, M1374L.
Identifiers: ClinVar variation 1020700 (VCV001020700.9), dbSNP rs888969159, ClinGen allele CA349063508.
Genomic context (GRCh38, chr2:166,228,777, plus strand): 5'-GTCCGACATTATCAAAGTTCACTTTCAGGTTTTTCCATCGCACATTTTGACTAACATTCA[T>G]AAGGGCAAAACATTCGGAACGATTTGGAACTTGACTTGCAGGAAACCGTGACCCATCTGT-3'
Protein context (NP_001352465.1, residues 1364-1384): VPNRSECFAL[Met1374Leu]NVSQNVRWKN

ClinVar aggregate classification (germline): Uncertain significance (1 of 4 stars; one submission).

Conditions:
Neuropathy, hereditary sensory and autonomic, type 2A (HSAN2A). Also called: HSAN IIA; ACROOSTEOLYSIS, GIACCAI TYPE; ACROOSTEOLYSIS, NEUROGENIC; MORVAN DISEASE; NEUROPATHY, CONGENITAL SENSORY; NEUROPATHY, HEREDITARY SENSORY RADICULAR, AUTOSOMAL RECESSIVE. Identifiers: Orphanet 970, MedGen C2752089, MONDO:0024309, OMIM 201300.
Generalized epilepsy with febrile seizures plus, type 7 (GEFSP7). Also called: GEFS+, TYPE 7. Identifiers: Orphanet 36387, MedGen C2751778, MONDO:0013470, OMIM 613863.

Submission:

Labcorp Genetics (formerly Invitae), Labcorp
Classification: Uncertain significance for Neuropathy, hereditary sensory and autonomic, type 2A; Generalized epilepsy with febrile seizures plus, type 7. Last evaluated: 2022-03-19. Review status: criteria provided, single submitter. Criteria: Invitae Variant Classification Sherloc (09022015). Collection method: clinical testing. Allele origin: germline.
Comment: ClinVar contains an entry for this variant (Variation ID: 1020700). This sequence change replaces methionine, which is neutral and non-polar, with leucine, which is neutral and non-polar, at codon 1363 of the SCN9A protein (p.Met1363Leu). This variant is not present in population databases (gnomAD no frequency). This variant has not been reported in the literature in individuals affected with SCN9A-related conditions. Algorithms developed to predict the effect of missense changes on protein structure and function (SIFT, PolyPhen-2, Align-GVGD) all suggest that this variant is likely to be tolerated. In summary, the available evidence is currently insufficient to determine the role of this variant in disease. Therefore, it has been classified as a Variant of Uncertain Significance.